The following is an entry in ClinVar:

NM_014870.4(ZBTB40):c.2142T>C (p.Thr714=)

Gene: ZBTB40 (zinc finger and BTB domain containing 40; plus strand). Cytogenetic location: 1p36.12.
Variant type: single nucleotide variant.
Coding change: c.2142T>C on transcript NM_014870.4 (MANE Select); coding-DNA position 2142, T replaced by C.
Protein change: p.Thr714=; no amino-acid change (threonine 714 retained).
Molecular consequence: synonymous variant.
Genome position (GRCh38, 1-based): chr1:22,511,815, T>C. VCF-style: chr1-22511815-T-C. GRCh37 (hg19) VCF-style: chr1-22838308-T-C.
Other names: c.2142T>C, p.Thr714= (NM_001083621.2); c.1806T>C, p.Thr602= (NM_001330398.2).
Identifiers: ClinVar variation 3043710 (VCV003043710.2), dbSNP rs34216459, ClinGen allele CA676093.
Genomic context (GRCh38, chr1:22,511,815, plus strand): 5'-AGATGAAAAGGCAGCCAAAGAAGACAGCCAGCCTGGGGAACAGAATGATCAAGGAGAGAC[T>C]GGTTCCTTGCCAGGACAGCAAGAGAAAGAGGCTTCAGCCTCCCCAGACCCTGCCAAGAAG-3'
Protein context (NP_055685.3, residues 704-724): QPGEQNDQGE[Thr714=]GSLPGQQEKE

ClinVar aggregate classification (germline): Likely benign (0 of 4 stars; one submission).

Conditions:
ZBTB40-related disorder. Also called: ZBTB40-related condition.

Allele frequency attached by ClinVar (database versions not stated): gnomAD exomes 0.00010; gnomAD 0.00014; TOPMed 0.00015; ExAC 0.00016.
gnomAD v4.1: 193 of 1,613,986 alleles (0.012%); highest among the groups gnomAD compares: Middle Eastern, 0.016%; 2 homozygotes.

Submission:

PreventionGenetics, part of Exact Sciences
Classification: Likely benign for ZBTB40-related condition. Last evaluated: 2019-06-07. Review status: no assertion criteria provided. Collection method: clinical testing. Allele origin: germline.
Comment: This variant is classified as likely benign based on ACMG/AMP sequence variant interpretation guidelines (Richards et al. 2015 PMID: 25741868, with internal and published modifications).